The following is an entry in ClinVar:

NM_000426.4(LAMA2):c.8690G>C (p.Arg2897Pro)

Gene: LAMA2 (laminin subunit alpha 2; plus strand). Cytogenetic location: 6q22.33.
Variant type: single nucleotide variant.
Coding change: c.8690G>C on transcript NM_000426.4 (MANE Select); coding-DNA position 8690, G replaced by C.
Protein change: p.Arg2897Pro; replaces arginine 2897 with proline.
Molecular consequence: missense variant.
Genome position (GRCh38, 1-based): chr6:129,505,342, G>C. VCF-style: chr6-129505342-G-C. GRCh37 (hg19) VCF-style: chr6-129826487-G-C.
Other names: c.8678G>C, p.Arg2893Pro (NM_001079823.2); short protein forms R2893P, R2897P.
Identifiers: ClinVar variation 1349607 (VCV001349607.4), dbSNP rs201696115, ClinGen allele CA365635037.

ClinVar aggregate classification (germline): Uncertain significance (1 of 4 stars; one submission).

Conditions:
LAMA2-related muscular dystrophy (LAMA2-RD). Also called: Laminin alpha 2-related dystrophy. Identifiers: MedGen C5679788, MONDO:0100228.

Submission:

Labcorp Genetics (formerly Invitae), Labcorp
Classification: Uncertain significance for LAMA2-related muscular dystrophy. Last evaluated: 2021-11-11. Review status: criteria provided, single submitter. Criteria: Invitae Variant Classification Sherloc (09022015). Collection method: clinical testing. Allele origin: germline.
Comment: In summary, the available evidence is currently insufficient to determine the role of this variant in disease. Therefore, it has been classified as a Variant of Uncertain Significance. Advanced modeling of protein sequence and biophysical properties (such as structural, functional, and spatial information, amino acid conservation, physicochemical variation, residue mobility, and thermodynamic stability) performed at Invitae indicates that this missense variant is not expected to disrupt LAMA2 protein function. This variant has not been reported in the literature in individuals affected with LAMA2-related conditions. This variant is not present in population databases (gnomAD no frequency). This sequence change replaces arginine, which is basic and polar, with proline, which is neutral and non-polar, at codon 2897 of the LAMA2 protein (p.Arg2897Pro).